The following is an entry in ClinVar:

ClinVar aggregate classification (germline): Uncertain significance (1 of 4 stars; one submission).

Conditions:
Niemann-Pick disease, type C1. Also called: NIEMANN-PICK DISEASE, VARIANT TYPE C1; NEUROVISCERAL STORAGE DISEASE WITH VERTICAL SUPRANUCLEAR OPHTHALMOPLEGIA; NIEMANN-PICK DISEASE WITH CHOLESTEROL ESTERIFICATION BLOCK; NIEMANN-PICK DISEASE WITHOUT SPHINGOMYELINASE DEFICIENCY; NIEMANN-PICK DISEASE, CHRONIC NEURONOPATHIC FORM. Identifiers: Orphanet 646, MedGen C3179455, MONDO:0009757, OMIM 257220.

Allele frequency attached by ClinVar (database versions not stated): gnomAD 0.00001; gnomAD exomes 0.00001; TOPMed 0.00001.
gnomAD v4.1: 4 of 1,613,146 alleles (0.00025%); highest among the groups gnomAD compares: Non-Finnish European, 0.00034%; no homozygotes.

Submission:

Labcorp Genetics (formerly Invitae), Labcorp
Classification: Uncertain significance for Niemann-Pick disease, type C1. Last evaluated: 2022-09-27. Review status: criteria provided, single submitter. Criteria: Invitae Variant Classification Sherloc (09022015). Collection method: clinical testing. Allele origin: germline.
Comment: This sequence change replaces lysine, which is basic and polar, with threonine, which is neutral and polar, at codon 595 of the NPC1 protein (p.Lys595Thr). This variant is present in population databases (no rsID available, gnomAD 0.003%). This variant has not been reported in the literature in individuals affected with NPC1-related conditions. Advanced modeling of protein sequence and biophysical properties (such as structural, functional, and spatial information, amino acid conservation, physicochemical variation, residue mobility, and thermodynamic stability) performed at Invitae indicates that this missense variant is not expected to disrupt NPC1 protein function. In summary, the available evidence is currently insufficient to determine the role of this variant in disease. Therefore, it has been classified as a Variant of Uncertain Significance.

NM_000271.5(NPC1):c.1784A>C (p.Lys595Thr)

Gene: NPC1 (NPC intracellular cholesterol transporter 1; minus strand). Cytogenetic location: 18q11.2.
Variant type: single nucleotide variant.
Coding change: c.1784A>C on transcript NM_000271.5 (MANE Select); coding-DNA position 1784, A replaced by C.
Protein change: p.Lys595Thr; replaces lysine 595 with threonine.
Molecular consequence: missense variant.
Genome position (GRCh38, 1-based): chr18:23,545,123, T>G on the plus strand (A>C on the coding strand, the complement: NPC1 is on the minus strand). VCF-style: chr18-23545123-T-G. GRCh37 (hg19) VCF-style: chr18-21125087-T-G.
Other names: short protein forms K595T.
Identifiers: ClinVar variation 2414663 (VCV002414663.3), dbSNP rs966758973, ClinGen allele CA297060782.
Genomic context (GRCh38, chr18:23,545,123, plus strand): 5'-CGATTTAGTTCATCTTCAATACTTCGTTCAGCAGTGAAGGAAATGGTCAGATTGGGATTC[T>G]TGTAGTTTTTCACAAAATTAATAAACCTAAAAGGTAAGCAAAATGTTATATTTTTAGTTA-3'
Protein context (NP_000262.2, residues 585-605): KEFINFVKNY[Lys595Thr]NPNLTISFTA